The following is an entry in ClinVar:

ClinVar aggregate classification (germline): Pathogenic/Likely pathogenic. Review status: criteria provided, multiple submitters, no conflicts (2 of 4 stars). 4 submissions from 4 submitters: Pathogenic (1); Likely pathogenic (1). 2 of the submissions do not count toward it. Last evaluated 2021-12-29.

Conditions:
Fanconi anemia (FA). Also called: Fanconi's anemia. Identifiers: Orphanet 84, MedGen C0015625, MeSH D005199, MONDO:0019391.
Fanconi anemia complementation group A (FANCA). Also called: FANCA-Related Fanconi Anemia; Fanconi anemia, group A. Identifiers: Orphanet 84, MedGen C3469521, MONDO:0009215, OMIM 227650.

Allele frequency attached by ClinVar (database versions not stated): gnomAD exomes below 0.00001.
gnomAD v4.1: 6 of 1,614,126 alleles (0.00037%); highest among the groups gnomAD compares: South Asian, 0.0011%; no homozygotes.

Submissions (4):

Fulgent Genetics
Classification: Likely pathogenic for Fanconi anemia complementation group A. Last evaluated: 2021-12-29. Review status: criteria provided, single submitter. Criteria: ACMG Guidelines, 2015. Collection method: clinical testing. Allele origin: unknown.

Labcorp Genetics (formerly Invitae), Labcorp
Classification: Pathogenic for Fanconi anemia. Last evaluated: 2021-12-23. Review status: criteria provided, single submitter. Criteria: Invitae Variant Classification Sherloc (09022015). Collection method: clinical testing. Allele origin: germline.
Comment: This sequence change creates a premature translational stop signal (p.Leu1295*) in the FANCA gene. It is expected to result in an absent or disrupted protein product. Loss-of-function variants in FANCA are known to be pathogenic (PMID: 19367192). This variant is present in population databases (no rsID available, gnomAD 0.003%). This premature translational stop signal has been observed in individual(s) with FANCA-related conditions (PMID: 23613520). ClinVar contains an entry for this variant (Variation ID: 558628). For these reasons, this variant has been classified as Pathogenic.

Leiden Open Variation Database
Classification: Uncertain significance for Fanconi anemia complementation group A. Last evaluated: 2020-02-28. Review status: no assertion criteria provided. Collection method: curation. Allele origin: germline. Affected: yes. Not counted in ClinVar's aggregate classification.
Comment: Curator: Arleen D. Auerbach. Submitter to LOVD: Arleen D. Auerbach.

Counsyl
Classification: Likely pathogenic for Fanconi anemia complementation group A. Last evaluated: 2018-06-04. Review status: no assertion criteria provided. Collection method: clinical testing. Allele origin: unknown. Not counted in ClinVar's aggregate classification.

Literature cited by the submitters: PubMed 19367192 (cited by Labcorp Genetics (formerly Invitae), Labcorp); PubMed 23613520 (cited by 3 submitters).

NM_000135.4(FANCA):c.3884T>G (p.Leu1295Ter)

Genes: FANCA (FA complementation group A; minus strand), ZNF276 (zinc finger protein 276; plus strand). Cytogenetic location: 16q24.3.
Variant type: single nucleotide variant.
Coding change: c.3884T>G on transcript NM_000135.4 (MANE Select); coding-DNA position 3884, T replaced by G.
Protein change: p.Leu1295Ter; replaces leucine 1295 with a stop codon.
Molecular consequence: nonsense. On other transcripts: non-coding transcript variant (4), 3 prime UTR variant (2).
Genome position (GRCh38, 1-based): chr16:89,740,044, A>C on the plus strand (T>G on the coding strand, the complement: FANCA is on the minus strand). VCF-style: chr16-89740044-A-C. GRCh37 (hg19) VCF-style: chr16-89806452-A-C.
Other names: c.3884T>G, p.Leu1295Ter (NM_001286167.3); c.*1798A>C (NM_001113525.2, NM_152287.4); short protein forms L1295*.
Identifiers: ClinVar variation 558628 (VCV000558628.9), dbSNP rs986710868, ClinGen allele CA397485002.